The following is an entry in ClinVar:

ClinVar aggregate classification (germline): Uncertain significance (1 of 4 stars; one submission).

Submission:

Labcorp Genetics (formerly Invitae), Labcorp
Classification: Uncertain significance. Last evaluated: 2024-10-16. Review status: criteria provided, single submitter. Criteria: Invitae Variant Classification Sherloc (09022015). Collection method: clinical testing. Allele origin: germline.
Comment: This sequence change replaces threonine, which is neutral and polar, with serine, which is neutral and polar, at codon 973 of the KANK1 protein (p.Thr973Ser). This variant is not present in population databases (gnomAD no frequency). This variant has not been reported in the literature in individuals affected with KANK1-related conditions. Invitae Evidence Modeling of protein sequence and biophysical properties (such as structural, functional, and spatial information, amino acid conservation, physicochemical variation, residue mobility, and thermodynamic stability) indicates that this missense variant is not expected to disrupt KANK1 protein function with a negative predictive value of 80%. In summary, the available evidence is currently insufficient to determine the role of this variant in disease. Therefore, it has been classified as a Variant of Uncertain Significance.

NM_015158.5(KANK1):c.2917A>T (p.Thr973Ser)

Gene: KANK1 (KN motif and ankyrin repeat domains 1; plus strand). Cytogenetic location: 9p24.3.
Variant type: single nucleotide variant.
Coding change: c.2917A>T on transcript NM_015158.5 (MANE Select); coding-DNA position 2917, A replaced by T.
Protein change: p.Thr973Ser; replaces threonine 973 with serine.
Molecular consequence: missense variant. On other transcripts: non-coding transcript variant (1).
Genome position (GRCh38, 1-based): chr9:731,178, A>T. VCF-style: chr9-731178-A-T. GRCh37 (hg19) VCF-style: chr9-731178-A-T.
Other names: c.2917A>T, p.Thr973Ser (NM_001256876.3, NM_001256877.3, NM_001354331.2 and 1 more transcripts); c.2863A>T, p.Thr955Ser (NM_001354332.2); c.2443A>T, p.Thr815Ser (NM_001354333.2, NM_001354335.2, NM_001354337.2 and 5 more transcripts); c.2389A>T, p.Thr797Ser (NM_001354336.2, NM_001354338.2, NM_001354340.2 and 1 more transcripts); short protein forms T973S, T797S, T815S, T955S.
Identifiers: ClinVar variation 2974231 (VCV002974231.3), dbSNP rs2540381916, ClinGen allele CA372755004.